The following is an entry in ClinVar:

ClinVar aggregate classification (germline): Uncertain significance (1 of 4 stars; one submission).

Conditions:
Microcephaly, normal intelligence and immunodeficiency (NBS). Also called: IMMUNODEFICIENCY, MICROCEPHALY, AND CHROMOSOMAL INSTABILITY; SEEMANOVA SYNDROME II; Nijmegen breakage syndrome; Microcephaly with normal intelligence immunodeficiency and lymphoreticular malignancies; Nonsyndromal microcephaly autosomal recessive with normal intelligence; Seemanova syndrome 2. Identifiers: Orphanet 647, MedGen C0398791, MONDO:0009623, OMIM 251260.

Submission:

Labcorp Genetics (formerly Invitae), Labcorp
Classification: Uncertain significance for Microcephaly, normal intelligence and immunodeficiency. Last evaluated: 2019-10-31. Review status: criteria provided, single submitter. Criteria: Invitae Variant Classification Sherloc (09022015). Collection method: clinical testing. Allele origin: germline.
Comment: This variant results in a copy number gain of the genomic region encompassing the full coding sequence of the NBN gene. The boundaries of this event are unknown as they extend beyond the assayed region for this gene and therefore may encompass additional genes. As the precise location of this event is unknown, it may be in tandem or it may be located elsewhere in the genome. A copy number gain of the whole NBN gene has not been reported in the literature in individuals with NBN-related disease. In summary, the available evidence is currently insufficient to determine the role of this variant in disease. Therefore, it has been classified as a Variant of Uncertain Significance.

NC_000008.10:g.(?_90947804)_(90996795_?)dup

Genes: NBN (nibrin; minus strand), LOC126860438 (MED14-independent group 3 enhancer GRCh37_chr8:90959982-90961181; plus strand), LOC130000714 (ATAC-STARR-seq lymphoblastoid active region 27608; plus strand). Cytogenetic location: 8q21.3.
Variant type: Duplication.
Identifiers: ClinVar variation 461487 (VCV000461487.2).